The following is an entry in ClinVar:

ClinVar aggregate classification (germline): Pathogenic/Likely pathogenic. Review status: criteria provided, multiple submitters, no conflicts (2 of 4 stars). 9 submissions from 9 submitters: Pathogenic (6); Likely pathogenic (3). Last evaluated 2026-04-04.

Conditions:
Skeletal muscle channelopathy.
ATP2A1-related disorder. Also called: ATP2A1-related condition.
Brody myopathy. Also called: BRODY DISEASE. Identifiers: Orphanet 53347, MedGen C1832918, MONDO:0010977, OMIM 601003.

Submissions (9):

Genetics Laboratory, Great Ormond Street Hospital NHS Foundation Trust, North Thames Genomic Laboratory Hub
Classification: Pathogenic for Skeletal muscle channelopathy. Last evaluated: 2026-04-04. Review status: criteria provided, single submitter. Criteria: ACGS Best Practice Guidelines for Variant Classification in Rare Disease 2024 v1.2. Collection method: clinical testing. Allele origin: germline. Affected: yes.
Comment: PVS1_very-strong, PM3_moderate

Labcorp Genetics (formerly Invitae), Labcorp
Classification: Pathogenic for Brody myopathy. Last evaluated: 2026-01-21. Review status: criteria provided, single submitter. Criteria: Invitae Variant Classification Sherloc (09022015). Collection method: clinical testing. Allele origin: germline.
Comment: This sequence change creates a premature translational stop signal (p.Arg822Profs*39) in the ATP2A1 gene. It is expected to result in an absent or disrupted protein product. Loss-of-function variants in ATP2A1 are known to be pathogenic (PMID: 8841193, 10914677, 23911890). The frequency data for this variant in the population databases is considered unreliable, as metrics indicate poor data quality at this position in the gnomAD database. This premature translational stop signal has been observed in individual(s) with Brody myopathy (PMID: 32040565). ClinVar contains an entry for this variant (Variation ID: 464085). For these reasons, this variant has been classified as Pathogenic.

GeneDx
Classification: Likely pathogenic. Last evaluated: 2025-06-20. Review status: criteria provided, single submitter. Criteria: GeneDx Variant Classification Process June 2021. Collection method: clinical testing. Allele origin: germline. Affected: yes.
Comment: Frameshift variant predicted to result in protein truncation or nonsense mediated decay in a gene for which loss of function is a known mechanism of disease; This variant is associated with the following publications: (PMID: 31589614, 32528171, 31980526, 32040565, 23911890, 8841193, 10914677)

Genomic Medicine Center of Excellence, King Faisal Specialist Hospital and Research Centre
Classification: Pathogenic for Brody myopathy. Last evaluated: 2024-12-18. Review status: criteria provided, single submitter. Criteria: ACMG Guidelines, 2015. Collection method: clinical testing. Allele origin: germline.

PreventionGenetics, part of Exact Sciences
Classification: Pathogenic for ATP2A1-related condition. Last evaluated: 2024-11-26. Review status: criteria provided, single submitter. Criteria: ACMG Guidelines, 2015. Collection method: clinical testing. Allele origin: germline.
Comment: The ATP2A1 c.2464dupC variant is predicted to result in a frameshift and premature protein termination (p.Arg822Profs*39). This variant has been reported in the compound heterozygous state in multiple individuals with Brody myopathy (Molenaar et al. 2020. PubMed ID: 32040565). This variant is reported in 0.056% of alleles in individuals of European (Non-Finnish) descent in gnomAD. Frameshift variants in ATP2A1 are expected to be pathogenic. This variant is interpreted as pathogenic.

Blueprint Genetics
Classification: Likely pathogenic for ATP2A1-related disorders. Last evaluated: 2024-09-17. Review status: criteria provided, single submitter. Criteria: ACMG Guidelines, 2015. Collection method: clinical testing. Allele origin: germline. Affected: yes. Observed: 5 variant alleles.

Revvity Omics, Revvity
Classification: Pathogenic for Brody myopathy. Last evaluated: 2024-08-26. Review status: criteria provided, single submitter. Criteria: ACMG Guidelines, 2015. Collection method: clinical testing. Allele origin: germline.

Women's Health and Genetics/Laboratory Corporation of America, LabCorp
Classification: Pathogenic for Brody myopathy. Last evaluated: 2024-07-30. Review status: criteria provided, single submitter. Criteria: LabCorp Variant Classification Summary - May 2015. Collection method: clinical testing. Allele origin: germline.
Comment: Variant summary: ATP2A1 c.2464dupC (p.Arg822ProfsX39) results in a premature termination codon, predicted to cause a truncation of the encoded protein or absence of the protein due to nonsense mediated decay, which are commonly known mechanisms for disease. The variant allele was found at a frequency of 0.00035 in 248542 control chromosomes with sufficient coverage in the version 4 of the gnomAD database. This frequency is not significantly higher than estimated for a pathogenic variant in ATP2A1 causing Brody Myopathy, allowing no conclusion about variant significance. To our knowledge, no occurrence of c.2464dupC in individuals affected with Brody Myopathy and no experimental evidence demonstrating its impact on protein function have been reported. ClinVar contains an entry for this variant (Variation ID: 464085). Based on the evidence outlined above, the variant was classified as pathogenic.

Athena Diagnostics
Classification: Likely pathogenic. Last evaluated: 2018-11-29. Review status: criteria provided, single submitter. Criteria: Athena Diagnostics Criteria. Collection method: clinical testing. Allele origin: germline.
Comment: The variant results in a shift of the reading frame, and is therefore predicted to result in the loss of a functional protein. The best available variant frequency is uninformative because it is below the disease allele frequency.

Literature cited by the submitters: PubMed 8841193 (cited by Labcorp Genetics (formerly Invitae), Labcorp); PubMed 10914677 (cited by Labcorp Genetics (formerly Invitae), Labcorp); PubMed 23911890 (cited by Labcorp Genetics (formerly Invitae), Labcorp); PubMed 32040565 (cited by Labcorp Genetics (formerly Invitae), Labcorp).

NM_004320.6(ATP2A1):c.2464dup (p.Arg822fs)

Gene: ATP2A1 (ATPase sarcoplasmic/endoplasmic reticulum Ca2+ transporting 1; plus strand). Cytogenetic location: 16p11.2.
Variant type: Duplication.
Coding change: c.2464dup on transcript NM_004320.6 (MANE Select); coding-DNA position 2464, one base duplicated (C; older notation c.2464dupC).
Protein change: p.Arg822fs; shifts the reading frame from arginine 822.
Molecular consequence: frameshift variant.
Genome position (GRCh38, 1-based): chr16:28,902,326, C duplicated; the last of 8 consecutive C bases (chr16:28,902,319-28,902,326); duplicating any one gives the same sequence. VCF-style (leftmost placement, unchanged base first): chr16-28902318-G-GC. GRCh37 (hg19) VCF-style: chr16-28913639-G-GC.
Other names: c.2464dupC (NM_173201.5, NM_173201.3); c.2089dup, p.Arg697fs (NM_001286075.2); c.2464dup, p.Arg822fs (NM_173201.5); short protein forms R697fs, R822fs.
Identifiers: ClinVar variation 464085 (VCV000464085.26), dbSNP rs751365374, ClinGen allele CA7987261.
Genomic context (GRCh38, chr16:28,902,318, plus strand): 5'-CCGACGGGCTCCCAGCCACAGCCCTGGGCTTCAACCCACCAGACCTGGACATCATGGACC[G>GC]CCCCCCCCGGAGCCCCAAGGAGCCCCTCATCAGTGGCTGGCTCTTCTTCCGCTACATGGC-3'